The following is an entry in ClinVar:

ClinVar aggregate classification (germline): Conflicting classifications of pathogenicity. Review status: criteria provided, conflicting classifications (1 of 4 stars). 5 submissions from 5 submitters: Uncertain significance (1); Likely benign (3). 1 of the submissions does not count toward it. Last evaluated 2026-01-27.

Conditions:
NSUN2-related disorder. Also called: NSUN2-related condition.
Inborn genetic diseases. Identifiers: MedGen C0950123, MeSH D030342.

Allele frequency attached by ClinVar (database versions not stated): ExAC 0.00003; gnomAD exomes 0.00005 and 0.00007; gnomAD 0.00013 and 0.00021; 1000 Genomes Project 30x 0.00016; 1000 Genomes Project 0.00020; TOPMed 0.00027.

Submissions (5):

Labcorp Genetics (formerly Invitae), Labcorp
Classification: Likely benign. Last evaluated: 2026-01-27. Review status: criteria provided, single submitter. Criteria: Invitae Variant Classification Sherloc (09022015). Collection method: clinical testing. Allele origin: germline.

Blueprint Genetics
Classification: Likely benign. Last evaluated: 2024-10-31. Review status: criteria provided, single submitter. Criteria: ACMG Guidelines, 2015. Collection method: clinical testing. Allele origin: germline.

Ambry Genetics
Classification: Likely benign for Inborn genetic diseases. Last evaluated: 2019-10-23. Review status: criteria provided, single submitter. Criteria: Ambry Variant Classification Scheme 2023. Collection method: clinical testing. Allele origin: germline.

Genetic Services Laboratory, University of Chicago
Classification: Uncertain significance. Last evaluated: 2015-03-04. Review status: criteria provided, single submitter. Criteria: ACMG Guidelines, 2015. Collection method: clinical testing. Allele origin: germline.

PreventionGenetics, part of Exact Sciences
Classification: Likely benign for NSUN2-related condition. Last evaluated: 2019-08-20. Review status: no assertion criteria provided. Collection method: clinical testing. Allele origin: germline. Not counted in ClinVar's aggregate classification.
Comment: This variant is classified as likely benign based on ACMG/AMP sequence variant interpretation guidelines (Richards et al. 2015 PMID: 25741868, with internal and published modifications).

NM_017755.6(NSUN2):c.915C>T (p.Arg305=)

Gene: NSUN2 (NOP2/Sun RNA methyltransferase 2; minus strand). Cytogenetic location: 5p15.31.
Variant type: single nucleotide variant.
Coding change: c.915C>T on transcript NM_017755.6 (MANE Select); coding-DNA position 915, C replaced by T.
Protein change: p.Arg305=; no amino-acid change (arginine 305 retained).
Molecular consequence: synonymous variant. On other transcripts: non-coding transcript variant (1).
Genome position (GRCh38, 1-based): chr5:6,616,833, G>A on the plus strand (C>T on the coding strand, the complement: NSUN2 is on the minus strand). VCF-style: chr5-6616833-G-A. GRCh37 (hg19) VCF-style: chr5-6616946-G-A.
Other names: c.810C>T, p.Arg270= (NM_001193455.2).
Identifiers: ClinVar variation 211762 (VCV000211762.15), dbSNP rs527650370, ClinGen allele CA209710.
Genomic context (GRCh38, chr5:6,616,833, plus strand): 5'-AGGGTTTAGTGAACACGTGGAATACACCATCCTTCCACCTTCAGCCAGCTGTTCAGCCCC[G>A]CGTGTTGCAATCCGCAGCTGTAAGCTAAGGGGAGATATCAGATGACTGCAAGGCCAAATG-3'
Protein context (NP_060225.4, residues 295-315): LHGLQLRIAT[Arg305=]GAEQLAEGGR